The following is an entry in ClinVar:

ClinVar aggregate classification (germline): Uncertain significance (1 of 4 stars; one submission).

Submission:

Labcorp Genetics (formerly Invitae), Labcorp
Classification: Uncertain significance. Last evaluated: 2020-06-09. Review status: criteria provided, single submitter. Criteria: Invitae Variant Classification Sherloc (09022015). Collection method: clinical testing. Allele origin: germline.
Comment: This sequence change replaces valine with aspartic acid at codon 1512 of the POLE protein (p.Val1512Asp). The valine residue is moderately conserved and there is a large physicochemical difference between valine and aspartic acid. This variant is not present in population databases (ExAC no frequency). In summary, the available evidence is currently insufficient to determine the role of this variant in disease. Therefore, it has been classified as a Variant of Uncertain Significance. Algorithms developed to predict the effect of missense changes on protein structure and function (SIFT, PolyPhen-2, Align-GVGD) all suggest that this variant is likely to be disruptive, but these predictions have not been confirmed by published functional studies and their clinical significance is uncertain. This variant has not been reported in the literature in individuals with POLE-related conditions.

NM_006231.4(POLE):c.4535T>A (p.Val1512Asp)

Gene: POLE (DNA polymerase epsilon, catalytic subunit; minus strand). Cytogenetic location: 12q24.33.
Variant type: single nucleotide variant.
Coding change: c.4535T>A on transcript NM_006231.4 (MANE Select); coding-DNA position 4535, T replaced by A.
Protein change: p.Val1512Asp; replaces valine 1512 with aspartic acid.
Molecular consequence: missense variant.
Genome position (GRCh38, 1-based): chr12:132,643,240, A>T on the plus strand (T>A on the coding strand, the complement: POLE is on the minus strand). VCF-style: chr12-132643240-A-T. GRCh37 (hg19) VCF-style: chr12-133219826-A-T.
Other names: short protein forms V1512D.
Identifiers: ClinVar variation 1037938 (VCV001037938.8), dbSNP rs2042194783, ClinGen allele CA387380344.